The following is an entry in ClinVar:

ClinVar aggregate classification (germline): Pathogenic/Likely pathogenic. Review status: criteria provided, multiple submitters, no conflicts (2 of 4 stars). 3 submissions from 3 submitters: Pathogenic (2); Likely pathogenic (1). Last evaluated 2026-08-18.

Conditions:
Familial adenomatous polyposis 1 (FAP1). Also called: FAMILIAL ADENOMATOUS POLYPOSIS 1, ATTENUATED; POLYPOSIS, ADENOMATOUS INTESTINAL. Identifiers: MedGen C2713442, MONDO:0021056, OMIM 175100. Disease mechanism: loss of function.
Hereditary cancer-predisposing syndrome. Also called: Tumor predisposition; Hereditary Cancer Syndrome; Neoplastic Syndromes, Hereditary; Hereditary neoplastic syndrome. Identifiers: Orphanet 140162, MedGen C0027672, MeSH D009386, MONDO:0015356.

Submissions (3):

Ambry Genetics
Classification: Likely pathogenic for Hereditary cancer-predisposing syndrome. Last evaluated: 2026-08-18. Review status: criteria provided, single submitter. Criteria: Ambry Variant Classification Scheme 2023. Collection method: clinical testing. Allele origin: germline.
Comment: The p.Q2040* variant (also known as c.6118C>T), located in coding exon 15 of the APC gene, results from a C to T substitution at nucleotide position 6118. This changes the amino acid from a glutamine to a stop codon within coding exon 15. This variant occurs at the 3' terminus of the gene, is not expected to trigger nonsense-mediated mRNA decay, and impacts the last 28% of the protein. However, premature stop codons are typically deleterious in nature, and a significant portion of the protein is affected (Ambry internal data). This variant is considered to be rare based on population cohorts in the Genome Aggregation Database (gnomAD). Based on the majority of available evidence to date, this variant is likely to be pathogenic.

GeneDx
Classification: Pathogenic. Last evaluated: 2026-04-01. Review status: criteria provided, single submitter. Criteria: GeneDx Variant Classification Process June 2021. Collection method: clinical testing. Allele origin: germline.
Comment: Nonsense variant predicted to result in protein truncation in a gene for which loss of function is a known mechanism of disease; Not observed at significant frequency in large population cohorts (gnomAD); This variant is associated with the following publications: (PMID: 10083733, 16088911)

Myriad Genetics, Inc.
Classification: Pathogenic for Familial adenomatous polyposis 1. Last evaluated: 2024-01-02. Review status: criteria provided, single submitter. Criteria: Myriad Autosomal Dominant, Autosomal Recessive and X-Linked Classification Criteria (2023). Collection method: clinical testing. Allele origin: unknown.
Comment: This variant is considered pathogenic. This variant creates a termination codon and is predicted to result in premature protein truncation.

NM_000038.6(APC):c.6118C>T (p.Gln2040Ter)

Gene: APC (APC regulator of Wnt signaling pathway; plus strand). Cytogenetic location: 5q22.2.
Variant type: single nucleotide variant.
Coding change: c.6118C>T on transcript NM_000038.6 (MANE Select); coding-DNA position 6118, C replaced by T.
Protein change: p.Gln2040Ter; replaces glutamine 2040 with a stop codon.
Molecular consequence: nonsense. On other transcripts: non-coding transcript variant (2).
Genome position (GRCh38, 1-based): chr5:112,841,712, C>T. VCF-style: chr5-112841712-C-T. GRCh37 (hg19) VCF-style: chr5-112177409-C-T.
Other names: c.5731C>T, p.Gln1911Ter (NM_001407469.1, NM_001407467.1); c.5269C>T, p.Gln1757Ter (NM_001407470.1, NM_001354906.2); c.4966C>T, p.Gln1656Ter (NM_001407471.1, NM_001407472.1); c.6088C>T, p.Gln2030Ter (NM_001407452.1); c.5941C>T, p.Gln1981Ter (NM_001407453.1, NM_001354901.2); c.5869C>T, p.Gln1957Ter (NM_001407454.1, NM_001407455.1, NM_001407456.1 and 1 more transcripts); c.5815C>T, p.Gln1939Ter (NM_001407458.1, NM_001407459.1, NM_001407460.1 and 1 more transcripts); c.6118C>T, p.Gln2040Ter (NM_001407450.1, NM_001127510.3, NM_001354895.2); and 12 more; short protein forms Q1656*, Q1757*, Q1914*, Q1949*, Q1957*, Q1981*, Q2012*, Q2030*.
Identifiers: ClinVar variation 3148150 (VCV003148150.3), dbSNP rs1561605138, ClinGen allele CA16034724.